The following is an entry in ClinVar:

ClinVar aggregate classification (germline): Uncertain significance. Review status: criteria provided, multiple submitters, no conflicts (2 of 4 stars). 2 submissions from 2 submitters: Uncertain significance (2). Last evaluated 2024-09-08.

Conditions:
Malignant hyperthermia, susceptibility to, 1 (MHS1). Also called: Anesthesia related hyperthermia; Malignant hyperpyrexia; Fulminating hyperpyrexia; Pharmacogenic myopathy; Malignant hyperthermia suceptibility 1; RYR1-Related Malignant Hyperthermia Susceptibility. Identifiers: Orphanet 423, MedGen C2930980, MONDO:0007783, OMIM 145600.

Submissions (2):

Color Diagnostics, LLC DBA Color Health
Classification: Uncertain significance for Malignant hyperthermia, susceptibility to, 1. Last evaluated: 2024-09-08. Review status: criteria provided, single submitter. Criteria: ACMG Guidelines, 2015. Collection method: clinical testing. Allele origin: germline.
Comment: This missense variant replaces glutamic acid with alanine at codon 4870 of the RYR1 protein. Computational prediction is inconclusive regarding the impact of this variant on protein structure and function (internally defined REVEL score threshold 0.5 < inconclusive < 0.7, PMID: 27666373). To our knowledge, functional studies have not been reported for this variant. This variant has not been reported in individuals affected with RYR1-related disorders in the literature. This variant has not been identified in the general population by the Genome Aggregation Database (gnomAD). The available evidence is insufficient to determine the role of this variant in disease conclusively. Therefore, this variant is classified as a Variant of Uncertain Significance.

All of Us Research Program, National Institutes of Health
Classification: Uncertain significance for Malignant hyperthermia, susceptibility to, 1. Last evaluated: 2024-06-09. Review status: criteria provided, single submitter. Criteria: ACMG Guidelines, 2015. Collection method: clinical testing. Allele origin: germline. Inheritance: Autosomal dominant inheritance. Observed: 1 variant allele, 1 heterozygote.
Comment: This study involves interpretation of variants in research participants for the purpose of population health screening. Participant phenotype was not available at the time of variant classification. Additional details can be found in publication PMID: 35346344, PMCID: PMC8962531

NM_000540.3(RYR1):c.14609A>C (p.Glu4870Ala)

Gene: RYR1 (ryanodine receptor 1; plus strand). Cytogenetic location: 19q13.2.
Variant type: single nucleotide variant.
Coding change: c.14609A>C on transcript NM_000540.3 (MANE Select); coding-DNA position 14609, A replaced by C.
Protein change: p.Glu4870Ala; replaces glutamic acid 4870 with alanine.
Molecular consequence: missense variant.
Genome position (GRCh38, 1-based): chr19:38,580,467, A>C. VCF-style: chr19-38580467-A-C. GRCh37 (hg19) VCF-style: chr19-39071107-A-C.
Other names: c.14594A>C, p.Glu4865Ala (NM_001042723.2); short protein forms E4865A, E4870A.
Identifiers: ClinVar variation 3385629 (VCV003385629.2).